The following is an entry in ClinVar:

NM_001903.5(CTNNA1):c.859-5T>C

Gene: CTNNA1 (catenin alpha 1; plus strand). Cytogenetic location: 5q31.2.
Variant type: single nucleotide variant.
Coding change: c.859-5T>C on transcript NM_001903.5 (MANE Select); 5 bases into the intron before coding-DNA position 859, T replaced by C.
Molecular consequence: intron variant.
Genome position (GRCh38, 1-based): chr5:138,827,510, T>C. VCF-style: chr5-138827510-T-C. GRCh37 (hg19) VCF-style: chr5-138163199-T-C.
Other names: c.859-5T>C (NM_001323982.2, NM_001323984.2, NM_001290307.3 and 3 more transcripts); c.490-5T>C (NM_001290310.3); c.550-5T>C (NM_001290309.3).
Identifiers: ClinVar variation 2496950 (VCV002496950.6), dbSNP rs2532445696, ClinGen allele CA2580072923.

ClinVar aggregate classification (germline): Conflicting classifications of pathogenicity. Review status: criteria provided, conflicting classifications (1 of 4 stars). 3 submissions from 3 submitters: Uncertain significance (1); Likely benign (2). Last evaluated 2024-10-10.

Conditions:
Hereditary cancer-predisposing syndrome. Also called: Tumor predisposition; Hereditary neoplastic syndrome; Neoplastic Syndromes, Hereditary; Hereditary Cancer Syndrome. Identifiers: Orphanet 140162, MedGen C0027672, MeSH D009386, MONDO:0015356.
Hereditary diffuse gastric adenocarcinoma (HDGC). Also called: DIFFUSE GASTRIC AND LOBULAR BREAST CANCER SYNDROME. Identifiers: Orphanet 26106, MedGen C1708349, MONDO:0007648, OMIM 137215.

Submissions (3):

Myriad Genetics, Inc.
Classification: Likely benign for Hereditary diffuse gastric adenocarcinoma. Last evaluated: 2024-10-10. Review status: criteria provided, single submitter. Criteria: Myriad Autosomal Dominant, Autosomal Recessive and X-Linked Classification Criteria (2023). Collection method: clinical testing. Allele origin: unknown.
Comment: This variant is considered likely benign. This variant is intronic and is not expected to impact mRNA splicing.

Labcorp Genetics (formerly Invitae), Labcorp
Classification: Likely benign. Last evaluated: 2023-06-11. Review status: criteria provided, single submitter. Criteria: Invitae Variant Classification Sherloc (09022015). Collection method: clinical testing. Allele origin: germline.

Ambry Genetics
Classification: Uncertain significance for Hereditary cancer-predisposing syndrome. Last evaluated: 2023-03-13. Review status: criteria provided, single submitter. Criteria: Ambry Variant Classification Scheme 2023. Collection method: clinical testing. Allele origin: germline.
Comment: The c.859-5T>C intronic variant results from a T to C substitution 5 nucleotides upstream from coding exon 6 in the CTNNA1 gene. This nucleotide position is not well conserved in available vertebrate species. In silico splice site analysis predicts that this alteration will not have any significant effect on splicing. The evidence for this gene-disease relationship is limited; therefore, the clinical significance of this alteration is unclear.